The following is an entry in ClinVar:

ClinVar aggregate classification (germline): Uncertain significance. Review status: criteria provided, multiple submitters, no conflicts (2 of 4 stars). 2 submissions from 2 submitters: Uncertain significance (2). Last evaluated 2026-08-13.

Conditions:
VPS11-related disorder. Also called: VPS11-related condition.

Allele frequency attached by ClinVar (database versions not stated): gnomAD exomes 0.00002; ExAC 0.00007; gnomAD 0.00015; TOPMed 0.00022; ESP Exome Variant Server 0.00025.
gnomAD v4.1: 49 of 1,613,596 alleles (0.003%); highest among the groups gnomAD compares: African/African-American, 0.057%; no homozygotes.

Submissions (2):

PreventionGenetics, part of Exact Sciences
Classification: Uncertain significance for VPS11-related condition. Last evaluated: 2026-08-13. Review status: criteria provided, single submitter. Criteria: ACMG Guidelines, 2015. Collection method: clinical testing. Allele origin: germline.
Comment: The VPS11 c.1195T>C variant is predicted to result in the amino acid substitution p.Tyr399His. To our knowledge, this variant has not been reported in the literature. This variant is reported in 0.062% of alleles in individuals of African descent in gnomAD. At this time, the clinical significance of this variant is uncertain due to the absence of conclusive functional and genetic evidence.

Labcorp Genetics (formerly Invitae), Labcorp
Classification: Uncertain significance. Last evaluated: 2022-04-24. Review status: criteria provided, single submitter. Criteria: Invitae Variant Classification Sherloc (09022015). Collection method: clinical testing. Allele origin: germline.
Comment: This sequence change replaces tyrosine, which is neutral and polar, with histidine, which is basic and polar, at codon 399 of the VPS11 protein (p.Tyr399His). This variant is present in population databases (rs376322700, gnomAD 0.07%). This variant has not been reported in the literature in individuals affected with VPS11-related conditions. Experimental studies and prediction algorithms are not available or were not evaluated, and the functional significance of this variant is currently unknown. In summary, the available evidence is currently insufficient to determine the role of this variant in disease. Therefore, it has been classified as a Variant of Uncertain Significance.

NM_021729.6(VPS11):c.1195T>C (p.Tyr399His)

Gene: VPS11 (VPS11 core subunit of CORVET and HOPS complexes; plus strand). Cytogenetic location: 11q23.3.
Variant type: single nucleotide variant.
Coding change: c.1195T>C on transcript NM_021729.6 (MANE Select); coding-DNA position 1195, T replaced by C.
Protein change: p.Tyr399His; replaces tyrosine 399 with histidine.
Molecular consequence: missense variant. On other transcripts: non-coding transcript variant (8).
Genome position (GRCh38, 1-based): chr11:119,073,908, T>C. VCF-style: chr11-119073908-T-C. GRCh37 (hg19) VCF-style: chr11-118944618-T-C.
Other names: c.1165T>C, p.Tyr389His (NM_001290185.2); c.1207T>C, p.Tyr403His (NM_001378218.1); c.1195T>C, p.Tyr399His (NM_001378219.1); c.1180T>C, p.Tyr394His (NM_001378220.1); c.1177T>C, p.Tyr393His (NM_001378221.1); c.1195T>C (NM_021729.5); short protein forms Y399H, Y393H, Y389H, Y394H, Y403H.
Identifiers: ClinVar variation 1980540 (VCV001980540.2), dbSNP rs376322700, ClinGen allele CA6313361.
Genomic context (GRCh38, chr11:119,073,908, plus strand): 5'-AGCCAGCATCTGGACAGTGATGGGCTGGCCCAGATTTTCATGCAGTATGGAGACCATCTC[T>C]ACAGCAAGGGCAACCACGATGGGGCTGTCCAGCAATATATCCGGTCAGTCTGGAGGCACT-3'
Protein context (NP_068375.3, residues 389-409): QIFMQYGDHL[Tyr399His]SKGNHDGAVQ